The following is an entry in ClinVar:

NM_001385.3(DPYS):c.1554C>A (p.His518Gln)

Gene: DPYS (dihydropyrimidinase; minus strand). Cytogenetic location: 8q22.3.
Variant type: single nucleotide variant.
Coding change: c.1554C>A on transcript NM_001385.3 (MANE Select); coding-DNA position 1554, C replaced by A.
Protein change: p.His518Gln; replaces histidine 518 with glutamine.
Molecular consequence: missense variant.
Genome position (GRCh38, 1-based): chr8:104,381,204, G>T on the plus strand (C>A on the coding strand, the complement: DPYS is on the minus strand). VCF-style: chr8-104381204-G-T. GRCh37 (hg19) VCF-style: chr8-105393432-G-T.
Other names: short protein forms H518Q.
Identifiers: ClinVar variation 1961251 (VCV001961251.7), dbSNP rs1432443257, ClinGen allele CA371936787.
Genomic context (GRCh38, chr8:104,381,204, plus strand): 5'-CTGTCATGCAGGAAGACTTTTCTTGCCTACAGTCCCTTACCGATGGCACACACTTCAGGG[G>T]TGGGCCTGTTTCCTGGTCCCTGCTGTGGCATCTTCTTTTGTCACTCTGGATTTCAGTGTG-3'
Protein context (NP_001376.1, residues 508-519): DATAGTRKQA[His518Gln]P

ClinVar aggregate classification (germline): Uncertain significance. Review status: criteria provided, multiple submitters, no conflicts (2 of 4 stars). 2 submissions from 2 submitters: Uncertain significance (2). Last evaluated 2024-12-15.

Allele frequency attached by ClinVar (database versions not stated): gnomAD 0.00001; TOPMed 0.00001; gnomAD exomes below 0.00001.

Submissions (2):

Dasa
Classification: Uncertain significance. Last evaluated: 2024-12-15. Review status: criteria provided, single submitter. Criteria: DASA Assertion Criteria. Collection method: clinical testing. Allele origin: germline.
Comment: NM_001385.3(DPYS):c.1554C>A (p.His518Gln) is a missense variant that results in the substitution of histidine with glutamine. This variant is rare in population databases. Computational prediction algorithms are consistent with a benign effect. The currently available literature and clinical evidence are not sufficient to establish a definitive association between this variant and the reported condition. Therefore, this variant is classified as a variant of uncertain significance.

Labcorp Genetics (formerly Invitae), Labcorp
Classification: Uncertain significance. Last evaluated: 2024-01-22. Review status: criteria provided, single submitter. Criteria: Invitae Variant Classification Sherloc (09022015). Collection method: clinical testing. Allele origin: germline.
Comment: This sequence change replaces histidine, which is basic and polar, with glutamine, which is neutral and polar, at codon 518 of the DPYS protein (p.His518Gln). This variant is present in population databases (no rsID available, gnomAD 0.003%). This variant has not been reported in the literature in individuals affected with DPYS-related conditions. ClinVar contains an entry for this variant (Variation ID: 1961251). Algorithms developed to predict the effect of missense changes on protein structure and function output the following: SIFT: "Not Available"; PolyPhen-2: "Benign"; Align-GVGD: "Not Available". The glutamine amino acid residue is found in multiple mammalian species, which suggests that this missense change does not adversely affect protein function. In summary, the available evidence is currently insufficient to determine the role of this variant in disease. Therefore, it has been classified as a Variant of Uncertain Significance.